The following is an entry in ClinVar:

NM_017841.4(SDHAF2):c.410T>C (p.Met137Thr)

Gene: SDHAF2 (succinate dehydrogenase complex assembly factor 2; plus strand). Cytogenetic location: 11q12.2.
Variant type: single nucleotide variant.
Coding change: c.410T>C on transcript NM_017841.4 (MANE Select); coding-DNA position 410, T replaced by C.
Protein change: p.Met137Thr; replaces methionine 137 with threonine.
Molecular consequence: missense variant.
Genome position (GRCh38, 1-based): chr11:61,445,980, T>C. VCF-style: chr11-61445980-T-C. GRCh37 (hg19) VCF-style: chr11-61213452-T-C.
Other names: short protein forms M137T.
Identifiers: ClinVar variation 2120993 (VCV002120993.5), dbSNP rs367574730, ClinGen allele CA059266.

ClinVar aggregate classification (germline): Uncertain significance. Review status: criteria provided, multiple submitters, no conflicts (2 of 4 stars). 2 submissions from 2 submitters: Uncertain significance (2). Last evaluated 2025-06-22.

Conditions:
Hereditary cancer-predisposing syndrome. Also called: Tumor predisposition; Hereditary Cancer Syndrome; Hereditary neoplastic syndrome; Neoplastic Syndromes, Hereditary. Identifiers: Orphanet 140162, MedGen C0027672, MeSH D009386, MONDO:0015356.
Hereditary pheochromocytoma and paraganglioma. Also called: Hereditary paragangliomas and pheochromocytomas; Hereditary Paraganglioma-Pheochromocytoma Syndromes; Hereditary pheochromocytoma-paraganglioma. Identifiers: Orphanet 29072, MedGen C4274332, MONDO:0017366.

Allele frequency attached by ClinVar (database versions not stated): TOPMed below 0.00001; ExAC 0.00001; ESP Exome Variant Server 0.00008.

Submissions (2):

Ambry Genetics
Classification: Uncertain significance for Hereditary cancer-predisposing syndrome. Last evaluated: 2025-06-22. Review status: criteria provided, single submitter. Criteria: Ambry Variant Classification Scheme 2023. Collection method: clinical testing. Allele origin: germline.
Comment: The p.M137T variant (also known as c.410T>C), located in coding exon 4 of the SDHAF2 gene, results from a T to C substitution at nucleotide position 410. The methionine at codon 137 is replaced by threonine, an amino acid with similar properties. This amino acid position is conserved. In addition, the in silico prediction for this alteration is inconclusive. Based on the available evidence, the clinical significance of this variant remains unclear.

Labcorp Genetics (formerly Invitae), Labcorp
Classification: Uncertain significance for Hereditary pheochromocytoma and paraganglioma. Last evaluated: 2023-06-24. Review status: criteria provided, single submitter. Criteria: Invitae Variant Classification Sherloc (09022015). Collection method: clinical testing. Allele origin: germline.
Comment: In summary, the available evidence is currently insufficient to determine the role of this variant in disease. Therefore, it has been classified as a Variant of Uncertain Significance. An algorithm developed to predict the effect of missense changes on protein structure and function (PolyPhen-2) suggests that this variant is likely to be tolerated. ClinVar contains an entry for this variant (Variation ID: 2120993). This variant has not been reported in the literature in individuals affected with SDHAF2-related conditions. This variant is present in population databases (rs367574730, gnomAD 0.0009%). This sequence change replaces methionine, which is neutral and non-polar, with threonine, which is neutral and polar, at codon 137 of the SDHAF2 protein (p.Met137Thr).